The following is an entry in ClinVar:

NM_000301.5(PLG):c.724C>T (p.Arg242Trp)

Gene: PLG (plasminogen; plus strand). Cytogenetic location: 6q26.
Variant type: single nucleotide variant.
Coding change: c.724C>T on transcript NM_000301.5 (MANE Select); coding-DNA position 724, C replaced by T.
Protein change: p.Arg242Trp; replaces arginine 242 with tryptophan.
Molecular consequence: missense variant.
Genome position (GRCh38, 1-based): chr6:160,716,700, C>T. VCF-style: chr6-160716700-C-T. GRCh37 (hg19) VCF-style: chr6-161137732-C-T.
Other names: short protein forms R242W.
Identifiers: ClinVar variation 2880402 (VCV002880402.3), dbSNP rs758158723, ClinGen allele CA4087549.
Genomic context (GRCh38, chr6:160,716,700, plus strand): 5'-TTCAGATTTCCAAACAAGAACCTGAAGAAGAATTACTGTCGTAACCCCGATAGGGAGCTG[C>T]GGCCTTGGTGTTTCACCACCGACCCCAACAAGCGCTGGGAACTTTGTGACATCCCCCGCT-3'
Protein context (NP_000292.1, residues 232-252): NYCRNPDREL[Arg242Trp]PWCFTTDPNK

ClinVar aggregate classification (germline): Uncertain significance (1 of 4 stars; one submission).

Allele frequency attached by ClinVar (database versions not stated): gnomAD 0.00001.
gnomAD v4.1: 20 of 1,613,684 alleles (0.0012%); highest among the groups gnomAD compares: Middle Eastern, 0.033%; no homozygotes.

Submission:

Labcorp Genetics (formerly Invitae), Labcorp
Classification: Uncertain significance. Last evaluated: 2025-10-06. Review status: criteria provided, single submitter. Criteria: Invitae Variant Classification Sherloc (09022015). Collection method: clinical testing. Allele origin: germline.
Comment: This sequence change replaces arginine, which is basic and polar, with tryptophan, which is neutral and slightly polar, at codon 242 of the PLG protein (p.Arg242Trp). The frequency data for this variant in the population databases is considered unreliable, as metrics indicate poor data quality at this position in the gnomAD database. This variant has not been reported in the literature in individuals affected with PLG-related conditions. ClinVar contains an entry for this variant (Variation ID: 2880402). Invitae Evidence Modeling of protein sequence and biophysical properties (such as structural, functional, and spatial information, amino acid conservation, physicochemical variation, residue mobility, and thermodynamic stability) indicates that this missense variant is not expected to disrupt PLG protein function with a negative predictive value of 80%. In summary, the available evidence is currently insufficient to determine the role of this variant in disease. Therefore, it has been classified as a Variant of Uncertain Significance.